The following is an entry in ClinVar:

NM_007294.4(BRCA1):c.4644G>A (p.Thr1548=)

Gene: BRCA1 (BRCA1 DNA repair associated; minus strand). Cytogenetic location: 17q21.31.
Variant type: single nucleotide variant.
Coding change: c.4644G>A on transcript NM_007294.4 (MANE Select); coding-DNA position 4644, G replaced by A.
Protein change: p.Thr1548=; no amino-acid change (threonine 1548 retained).
Molecular consequence: synonymous variant. On other transcripts: intron variant (3).
Genome position (GRCh38, 1-based): chr17:43,074,362, C>T on the plus strand (G>A on the coding strand, the complement: BRCA1 is on the minus strand). VCF-style: chr17-43074362-C-T. GRCh37 (hg19) VCF-style: chr17-41226379-C-T.
Other names: c.4431G>A, p.Thr1477= (NM_001407571.1, NM_001407894.1, NM_001407895.1 and 12 more transcripts); c.4710G>A, p.Thr1570= (NM_001407581.1, NM_001407582.1); c.4707G>A, p.Thr1569= (NM_001407583.1, NM_001407585.1, NM_001407587.1 and 1 more transcripts); c.4704G>A, p.Thr1568= (NM_001407590.1, NM_001407591.1); c.4644G>A, p.Thr1548= (NM_001407593.1, NM_001407594.1, NM_001407596.1 and 8 more transcripts); c.4641G>A, p.Thr1547= (NM_001407610.1, NM_001407611.1, NM_001407612.1 and 17 more transcripts); c.4638G>A, p.Thr1546= (NM_001407627.1, NM_001407628.1, NM_001407629.1 and 14 more transcripts); c.4635G>A, p.Thr1545= (NM_001407644.1, NM_001407645.1); and 71 more.
Identifiers: ClinVar variation 184245 (VCV000184245.41), dbSNP rs28897692, ClinGen allele CA002943.

ClinVar aggregate classification (germline): Likely benign. Review status: reviewed by expert panel (3 of 4 stars). 14 submissions from 14 submitters: Likely benign (1). 13 of the submissions do not count toward it. Last evaluated 2017-06-29.

Conditions:
Hereditary breast ovarian cancer syndrome. Also called: Hereditary breast and ovarian cancer syndrome; Hereditary breast and ovarian cancer syndrome (HBOC); BRCA1- and BRCA2-Associated Hereditary Breast and Ovarian Cancer; Breast and ovarian cancer; Hereditary breast and ovarian cancer; Hereditary breast and/or ovarian cancer syndrome. Identifiers: Orphanet 145, MedGen C0677776, MeSH D061325, MONDO:0003582. Disease mechanism: loss of function.
Hereditary cancer-predisposing syndrome. Also called: Hereditary Cancer Syndrome; Hereditary neoplastic syndrome; Tumor predisposition; Neoplastic Syndromes, Hereditary. Identifiers: Orphanet 140162, MedGen C0027672, MeSH D009386, MONDO:0015356.
Breast-ovarian cancer, familial, susceptibility to, 1 (BROVCA1). Also called: OVARIAN CANCER, SUSCEPTIBILITY TO; BRCA1 Hereditary Breast and Ovarian Cancer. Identifiers: Orphanet 145, MedGen C2676676, MONDO:0011450, OMIM 604370. Disease mechanism: loss of function.

Allele frequency attached by ClinVar (database versions not stated): gnomAD exomes 0.00004 and 0.00015; TOPMed 0.00006; gnomAD 0.00008; ESP Exome Variant Server 0.00015; ExAC 0.00004.
gnomAD v4.1: 223 of 1,613,864 alleles (0.014%); highest among the groups gnomAD compares: Non-Finnish European, 0.019%; no homozygotes.

Submissions (14):

Evidence-based Network for the Interpretation of Germline Mutant Alleles (ENIGMA)
Classification: Likely benign for Breast-ovarian cancer, familial, susceptibility to, 1. Last evaluated: 2017-06-29. Review status: reviewed by expert panel. Criteria: ENIGMA BRCA1/2 Classification Criteria (2017-06-29). Collection method: curation. Allele origin: germline.
Comment: Synonymous substitution variant, with low bioinformatic likelihood to result in a splicing aberration (Splicing prior probability 0.02).

Labcorp Genetics (formerly Invitae), Labcorp
Classification: Benign for Hereditary breast ovarian cancer syndrome. Last evaluated: 2026-01-28. Review status: criteria provided, single submitter. Criteria: Invitae Variant Classification Sherloc (09022015). Collection method: clinical testing. Allele origin: germline. Not counted in ClinVar's aggregate classification.

Center for Genomic Medicine, Rigshospitalet, Copenhagen University Hospital
Classification: Likely benign. Last evaluated: 2025-03-04. Review status: criteria provided, single submitter. Criteria: ACMG Guidelines, 2015. Collection method: clinical testing. Allele origin: germline. Not counted in ClinVar's aggregate classification.

Blueprint Genetics
Classification: Likely benign. Last evaluated: 2024-07-04. Review status: criteria provided, single submitter. Criteria: ACMG Guidelines, 2015. Collection method: clinical testing. Allele origin: germline. Not counted in ClinVar's aggregate classification.

All of Us Research Program, National Institutes of Health
Classification: Benign for Breast-ovarian cancer, familial, susceptibility to, 1. Last evaluated: 2024-02-05. Review status: criteria provided, single submitter. Criteria: ACMG Guidelines, 2015. Collection method: clinical testing. Allele origin: germline. Inheritance: Autosomal dominant inheritance. Observed: 12 variant alleles, 12 heterozygotes. Not counted in ClinVar's aggregate classification.
Comment: This study involves interpretation of variants in research participants for the purpose of population health screening. Participant phenotype was not available at the time of variant classification. Additional details can be found in publication PMID: 35346344, PMCID: PMC8962531

Sema4
Classification: Likely benign for Hereditary cancer-predisposing syndrome. Last evaluated: 2021-12-10. Review status: criteria provided, single submitter. Criteria: Sema4 Curation Guidelines. Collection method: curation. Allele origin: germline. Not counted in ClinVar's aggregate classification.

ARUP Laboratories, Molecular Genetics and Genomics, ARUP Laboratories
Classification: Likely benign. Last evaluated: 2020-10-15. Review status: criteria provided, single submitter. Criteria: ARUP Molecular Germline Variant Investigation Process 2021. Collection method: clinical testing. Allele origin: germline. Not counted in ClinVar's aggregate classification.

Genome Diagnostics Laboratory, University Medical Center Utrecht
Classification: Likely benign for Breast-ovarian cancer, familial, susceptibility to, 1. Last evaluated: 2017-07-28. Review status: criteria provided, single submitter. Criteria: ACGS Guidelines, 2013. Collection method: clinical testing. Allele origin: germline. Affected: yes. Study: VKGL Data-share Consensus. Not counted in ClinVar's aggregate classification.

Color Diagnostics, LLC DBA Color Health
Classification: Benign for Hereditary cancer-predisposing syndrome. Last evaluated: 2015-08-07. Review status: criteria provided, single submitter. Criteria: ACMG Guidelines, 2015. Collection method: clinical testing. Allele origin: germline. Not counted in ClinVar's aggregate classification.

GeneDx
Classification: Benign. Last evaluated: 2015-03-03. Review status: criteria provided, single submitter. Criteria: GeneDx Variant Classification Process June 2021. Collection method: clinical testing. Allele origin: germline. Affected: yes. Not counted in ClinVar's aggregate classification.

Ambry Genetics
Classification: Likely benign for Hereditary cancer-predisposing syndrome. Last evaluated: 2014-06-02. Review status: criteria provided, single submitter. Criteria: Ambry Variant Classification Scheme 2023. Collection method: clinical testing. Allele origin: germline. Not counted in ClinVar's aggregate classification.

Department of Pathology and Laboratory Medicine, Sinai Health System
Classification: Likely benign. Review status: no assertion criteria provided. Collection method: clinical testing. Allele origin: unknown. Affected: yes. Study: The Canadian Open Genetics Repository (COGR). Not counted in ClinVar's aggregate classification.
Comment: The BRCA1 p.Thr1548Thr variant was identified in 3 of 2720 proband chromosomes (frequency: 0.001) from Romanian, Danish, other individuals or families with familial breast and ovarian cancers, and was not identified in 394 control chromosomes from healthy individuals (Negura 2011, Hansen 2011, Ozcelik 2012). The variant was identified in dbSNP (ID: rs28897692) as â€šÃ„ÃºWith Likely benign alleleâ€šÃ„Ã¹, the NHLBI GO Exome Sequencing Project in 2 of 8600 European American alleles, and the Exome Aggregation Consortium database (August 8, 2016) in 5 of 121372 chromosomes (freq. 0.00004) in the European (Non-Finnish) population in 5 of 66728 chromosomes (freq. 0.00007)), but was not seen in African, East Asian, Finnish, Latino, Other, and South Asian populations, increasing the likelihood that this may be a low frequency benign variant in certain populations of origin. The variant was also identified in the Clinvitae database (classification likely benign), the ClinVar database (classification likely benign, submitters Ambry Genetics and Invitae), and UMD (5x with an â€šÃ„Ãºunclassified variantâ€šÃ„Ã¹ classification). In UMD, the variant was identified with a co-occurring pathogenic BRCA1 variant (c.342_343delTC, p.Pro115X), increasing the likelihood that the p.Thr1548Thr variant does not have clinical significance. The p.Thr1548Thr variant is not expected to have clinical significance because it does not result in a change of amino acid and is not located in a known consensus splice site. The variant occurs outside of the splicing consensus sequence and 1 of 5 in silico or computational prediction software programs (SpliceSiteFinder, MaxEntScan, NNSPLICE, GeneSplicer, HumanSpliceFinder) predict a greater than 10% difference in splicing; this is not very predictive of pathogenicity. In summary, based on the above information, the clinical significance of this variant cannot be determined with certainty at this time although we would lean towards a more benign role for this variant. This variant is classified as likely benign.

Diagnostic Laboratory, Department of Genetics, University Medical Center Groningen
Classification: Likely benign for Breast-ovarian cancer, familial, susceptibility to, 1. Review status: no assertion criteria provided. Collection method: clinical testing. Allele origin: germline. Affected: yes. Study: VKGL Data-share Consensus. Not counted in ClinVar's aggregate classification.

Joint Genome Diagnostic Labs from Nijmegen and Maastricht, Radboudumc and MUMC+
Classification: Likely benign. Review status: no assertion criteria provided. Collection method: clinical testing. Allele origin: germline. Affected: yes. Study: VKGL Data-share Consensus. Not counted in ClinVar's aggregate classification.